The following is an entry in ClinVar:

NC_000011.10:g.62628412_62655064del

Genes: GANAB (glucosidase II alpha subunit; minus strand), INTS5 (integrator complex subunit 5; minus strand). Cytogenetic location: 11q12.3.
Variant type: Deletion.
Identifiers: ClinVar variation 810838 (VCV000810838.3).

ClinVar aggregate classification (germline): Pathogenic (0 of 4 stars; one submission).

Conditions:
Polycystic kidney disease 3 with or without polycystic liver disease. Also called: POLYCYSTIC KIDNEY DISEASE, ADULT, TYPE III; Polycystic kidney disease 3; Polycystic Kidney and/or Polycystic Liver Disease 3. Identifiers: MedGen C3887964, MONDO:0010916, OMIM 600666.

Submission:

Stefan Somlo Laboratory, Yale School of Medicine
Classification: Pathogenic for Polycystic kidney disease 3 with or without polycystic liver disease. Last evaluated: 2019-10-04. Review status: no assertion criteria provided. Collection method: research. Allele origin: unknown. Affected: yes. Observed: 1 heterozygote.
Comment: This 26kb deletion removes the majority of the established disease gene GANAB.